The following is an entry in ClinVar:

ClinVar aggregate classification (germline): Pathogenic (1 of 4 stars; one submission).

Conditions:
X-linked severe combined immunodeficiency (SCIDX1). Also called: X-Linked Combined Immunodeficiency Diseases; IMMUNODEFICIENCY 4; SCID, X-LINKED; SEVERE COMBINED IMMUNODEFICIENCY, X-LINKED, T CELL-NEGATIVE, B CELL-POSITIVE, NK CELL-NEGATIVE; T-B+ severe combined immunodeficiency due to gamma chain deficiency. Identifiers: Orphanet 276, MedGen C6022468, MONDO:0010315, OMIM 300400. Disease mechanism: loss of function.

Submission:

Labcorp Genetics (formerly Invitae), Labcorp
Classification: Pathogenic for X-linked severe combined immunodeficiency. Last evaluated: 2023-10-13. Review status: criteria provided, single submitter. Criteria: Invitae Variant Classification Sherloc (09022015). Collection method: clinical testing. Allele origin: germline.
Comment: This sequence change creates a premature translational stop signal (p.Gln118Alafs*50) in the IL2RG gene. It is expected to result in an absent or disrupted protein product. Loss-of-function variants in IL2RG are known to be pathogenic (PMID: 9058718, 10794430). This variant is not present in population databases (gnomAD no frequency). This variant has not been reported in the literature in individuals affected with IL2RG-related conditions. For these reasons, this variant has been classified as Pathogenic.

Literature cited by the submitters: PubMed 9058718; PubMed 10794430.

NM_000206.3(IL2RG):c.350_351insA (p.Gln118fs)

Gene: IL2RG (interleukin 2 receptor subunit gamma; minus strand). Cytogenetic location: Xq13.1.
Variant type: Insertion.
Coding change: c.350_351insA on transcript NM_000206.3 (MANE Select); coding-DNA positions 350 to 351, A inserted.
Protein change: p.Gln118fs; shifts the reading frame from glutamine 118.
Molecular consequence: frameshift variant.
Genome position: GRCh38 VCF-style: chrX-71110607-C-CT. GRCh37 (hg19) VCF-style: chrX-70330457-C-CT.
Other names: short protein forms Q118fs.
Identifiers: ClinVar variation 2765467 (VCV002765467.3), dbSNP rs2519647217, ClinGen allele CA2697553151.
Genomic context (GRCh38, chrX:71,110,607, plus strand): 5'-TTCCCGTGGGTCCTGGAGCTGAACAACAAATGTTTGGTAGAGGTGGATCTCCTTTTTTTG[C>CT]AACTGACAGCCAGAAGTGATTTCTTCAGAGAATAGATAGTGGCTGCACTTCTGGACTTTA-3'